The following is an entry in ClinVar:

NM_006846.4(SPINK5):c.1221C>T (p.Phe407=)

Gene: SPINK5 (serine peptidase inhibitor Kazal type 5; plus strand). Cytogenetic location: 5q32.
Variant type: single nucleotide variant.
Coding change: c.1221C>T on transcript NM_006846.4 (MANE Select); coding-DNA position 1221, C replaced by T.
Protein change: p.Phe407=; no amino-acid change (phenylalanine 407 retained).
Molecular consequence: synonymous variant.
Genome position (GRCh38, 1-based): chr5:148,101,355, C>T. VCF-style: chr5-148101355-C-T. GRCh37 (hg19) VCF-style: chr5-147480918-C-T.
Other names: c.1221C>T, p.Phe407= (NM_001127698.2, NM_001127699.2).
Identifiers: ClinVar variation 859575 (VCV000859575.10), dbSNP rs550949679, ClinGen allele CA3495519.
Genomic context (GRCh38, chr5:148,101,355, plus strand): 5'-CACTTCTAATGTGGCGATTCTATGATTTTTACTTATCTCTTCTTAACCATCCTTTTTTAG[C>T]CAAGCAGAAGAAGAAGAAAAGAAAAAGAAGGAAGGTAAATCAAGAAACAAAAGACAATCT-3'
Protein context (NP_006837.2, residues 397-417): GNTCSMCEVF[Phe407=]QAEEEEKKKK

ClinVar aggregate classification (germline): Uncertain significance (1 of 4 stars; one submission).

Conditions:
Ichthyosis linearis circumflexa. Identifiers: MedGen C0265962, MONDO:0043106, HP:0025810.

Allele frequency attached by ClinVar (database versions not stated): gnomAD 0.00001; gnomAD exomes 0.00001 and 0.00004; ExAC 0.00005; 1000 Genomes Project 30x 0.00031; 1000 Genomes Project 0.00040.
gnomAD v4.1: 22 of 1,603,980 alleles (0.0014%); highest among the groups gnomAD compares: South Asian, 0.023%; 1 homozygote.

Submission:

Labcorp Genetics (formerly Invitae), Labcorp
Classification: Uncertain significance for Ichthyosis linearis circumflexa. Last evaluated: 2025-05-16. Review status: criteria provided, single submitter. Criteria: Invitae Variant Classification Sherloc (09022015). Collection method: clinical testing. Allele origin: germline.
Comment: This sequence change affects codon 407 of the SPINK5 mRNA. It is a 'silent' change, meaning that it does not change the encoded amino acid sequence of the SPINK5 protein. It affects a nucleotide within the consensus splice site. This variant is present in population databases (rs550949679, gnomAD 0.04%). This variant has not been reported in the literature in individuals affected with SPINK5-related conditions. ClinVar contains an entry for this variant (Variation ID: 859575). Algorithms developed to predict the effect of sequence changes on RNA splicing suggest that this variant is not likely to affect RNA splicing. In summary, the available evidence is currently insufficient to determine the role of this variant in disease. Therefore, it has been classified as a Variant of Uncertain Significance.